The following is an entry in ClinVar:

ClinVar aggregate classification (germline): Pathogenic (1 of 4 stars; one submission).

Conditions:
Fanconi anemia (FA). Also called: Fanconi's anemia. Identifiers: Orphanet 84, MedGen C0015625, MeSH D005199, MONDO:0019391.

Allele frequency attached by ClinVar (database versions not stated): gnomAD exomes below 0.00001.

Submission:

Labcorp Genetics (formerly Invitae), Labcorp
Classification: Pathogenic for Fanconi anemia. Last evaluated: 2024-12-19. Review status: criteria provided, single submitter. Criteria: Invitae Variant Classification Sherloc (09022015). Collection method: clinical testing. Allele origin: germline.
Comment: This sequence change creates a premature translational stop signal (p.Ser381*) in the FANCM gene. It is expected to result in an absent or disrupted protein product. Loss-of-function variants in FANCM are known to be pathogenic (PMID: 29895858, 30075111). This variant is present in population databases (no rsID available, gnomAD 0.0009%). This variant has not been reported in the literature in individuals affected with FANCM-related conditions. ClinVar contains an entry for this variant (Variation ID: 652193). Algorithms developed to predict the effect of sequence changes on RNA splicing suggest that this variant may disrupt the consensus splice site. For these reasons, this variant has been classified as Pathogenic.

Literature cited by the submitters: PubMed 29895858; PubMed 30075111.

NM_020937.4(FANCM):c.1142C>A (p.Ser381Ter)

Gene: FANCM (FA complementation group M; plus strand). Cytogenetic location: 14q21.2.
Variant type: single nucleotide variant.
Coding change: c.1142C>A on transcript NM_020937.4 (MANE Select); coding-DNA position 1142, C replaced by A.
Protein change: p.Ser381Ter; replaces serine 381 with a stop codon.
Molecular consequence: nonsense.
Genome position (GRCh38, 1-based): chr14:45,154,011, C>A. VCF-style: chr14-45154011-C-A. GRCh37 (hg19) VCF-style: chr14-45623214-C-A.
Other names: c.1064C>A, p.Ser355Ter (NM_001308133.2); c.1142C>A, p.Ser381Ter (NM_001308134.2); short protein forms S381*, S355*.
Identifiers: ClinVar variation 652193 (VCV000652193.8), dbSNP rs765686151, ClinGen allele CA389590979.